The following is an entry in ClinVar:

NM_001099922.3(ALG13):c.2027A>C (p.Asp676Ala)

Gene: ALG13 (ALG13 UDP-N-acetylglucosaminyltransferase subunit; plus strand). Cytogenetic location: Xq23.
Variant type: single nucleotide variant.
Coding change: c.2027A>C on transcript NM_001099922.3 (MANE Select); coding-DNA position 2027, A replaced by C.
Protein change: p.Asp676Ala; replaces aspartic acid 676 with alanine.
Molecular consequence: missense variant. On other transcripts: non-coding transcript variant (1).
Genome position (GRCh38, 1-based): chrX:111,727,382, A>C. VCF-style: chrX-111727382-A-C. GRCh37 (hg19) VCF-style: chrX-110970610-A-C.
Other names: c.1715A>C, p.Asp572Ala (NM_001257230.2, NM_001257234.2, NM_001257237.2); c.1793A>C, p.Asp598Ala (NM_001257231.2); c.2027A>C, p.Asp676Ala (NM_001324292.2); c.1541A>C, p.Asp514Ala (NM_001324293.1); short protein forms D572A, D514A, D598A, D676A.
Identifiers: ClinVar variation 2769046 (VCV002769046.3), dbSNP rs2525949476, ClinGen allele CA414253089.

ClinVar aggregate classification (germline): Uncertain significance (1 of 4 stars; one submission).

Conditions:
Developmental and epileptic encephalopathy, 36 (DEE36). Also called: Epileptic encephalopathy, early infantile, 36; Congenital disorder of glycosylation, type Is; ALG13-CDG. Identifiers: Orphanet 324422, MedGen C4317295, MONDO:0010472, OMIM 300884.

Submission:

Labcorp Genetics (formerly Invitae), Labcorp
Classification: Uncertain significance for Developmental and epileptic encephalopathy, 36. Last evaluated: 2023-10-16. Review status: criteria provided, single submitter. Criteria: Invitae Variant Classification Sherloc (09022015). Collection method: clinical testing. Allele origin: germline.
Comment: This sequence change replaces aspartic acid, which is acidic and polar, with alanine, which is neutral and non-polar, at codon 676 of the ALG13 protein (p.Asp676Ala). This variant is not present in population databases (gnomAD no frequency). This variant has not been reported in the literature in individuals affected with ALG13-related conditions. Advanced modeling of protein sequence and biophysical properties (such as structural, functional, and spatial information, amino acid conservation, physicochemical variation, residue mobility, and thermodynamic stability) performed at Invitae indicates that this missense variant is not expected to disrupt ALG13 protein function. In summary, the available evidence is currently insufficient to determine the role of this variant in disease. Therefore, it has been classified as a Variant of Uncertain Significance.